The following is an entry in ClinVar:

NM_004859.4(CLTC):c.469C>T (p.Arg157Cys)

Gene: CLTC (clathrin heavy chain; plus strand). Cytogenetic location: 17q23.1.
Variant type: single nucleotide variant.
Coding change: c.469C>T on transcript NM_004859.4 (MANE Select); coding-DNA position 469, C replaced by T.
Protein change: p.Arg157Cys; replaces arginine 157 with cysteine.
Molecular consequence: missense variant.
Genome position (GRCh38, 1-based): chr17:59,647,616, C>T. VCF-style: chr17-59647616-C-T. GRCh37 (hg19) VCF-style: chr17-57724977-C-T.
Other names: c.481C>T, p.Arg161Cys (NM_001288653.2); short protein forms R157C, R161C.
Identifiers: ClinVar variation 985051 (VCV000985051.4), dbSNP rs768460001, ClinGen allele CA8681056.

ClinVar aggregate classification (germline): Uncertain significance (1 of 4 stars; one submission).

Conditions:
Inborn genetic diseases. Identifiers: MedGen C0950123, MeSH D030342.

Allele frequency attached by ClinVar (database versions not stated): gnomAD exomes below 0.00001 and 0.00001; gnomAD 0.00001; ExAC 0.00002.

Submission:

Ambry Genetics
Classification: Uncertain significance for Inborn genetic diseases. Last evaluated: 2020-04-03. Review status: criteria provided, single submitter. Criteria: Ambry Variant Classification Scheme 2023. Collection method: clinical testing. Allele origin: germline.
Comment: The alteration results in an amino acid change:_x000D_ _x000D_ The c.469C>T (p.R157C) alteration is located in exon 3 (coding exon 3) of the CLTC gene. This alteration results from a C to T substitution at nucleotide position 469, causing the arginine (R) at amino acid position 157 to be replaced by a cysteine (C). The alteration has been observed in population databases:_x000D_ _x000D_ Based on data from the Genome Aggregation Database (gnomAD), the CLTC c.469C>T alteration was observed in 0.0008% (2/251366) of total alleles studied. The altered amino acid is conserved throughout evolution:_x000D_ _x000D_ The p.R157 amino acid is conserved in available vertebrate species. The alteration is predicted inconclusive by in silico modeling:_x000D_ _x000D_ The in silico prediction for the p.R157C alteration is inconclusive. Based on insufficient or conflicting evidence, the clinical significance of this alteration remains unclear.